The following is an entry in ClinVar:

NM_002454.3(MTRR):c.766G>T (p.Glu256Ter)

Gene: MTRR (5-methyltetrahydrofolate-homocysteine methyltransferase reductase; plus strand). Cytogenetic location: 5p15.31.
Variant type: single nucleotide variant.
Coding change: c.766G>T on transcript NM_002454.3 (MANE Select); coding-DNA position 766, G replaced by T.
Protein change: p.Glu256Ter; replaces glutamic acid 256 with a stop codon.
Molecular consequence: nonsense. On other transcripts: non-coding transcript variant (14).
Genome position (GRCh38, 1-based): chr5:7,878,308, G>T. VCF-style: chr5-7878308-G-T. GRCh37 (hg19) VCF-style: chr5-7878421-G-T.
Other names: c.766G>T, p.Glu256Ter (NM_001364440.2, NM_001364441.2, NM_001364442.2 and 1 more transcripts); short protein forms E256*.
Identifiers: ClinVar variation 841408 (VCV000841408.13), dbSNP rs375908206, ClinGen allele CA3195685.

ClinVar aggregate classification (germline): Pathogenic. Review status: criteria provided, multiple submitters, no conflicts (2 of 4 stars). 4 submissions from 4 submitters: Pathogenic (4). Last evaluated 2024-05-24.

Conditions:
Methylcobalamin deficiency type cblE (HMAE). Also called: HOMOCYSTINURIA-MEGALOBLASTIC ANEMIA, cblE TYPE; VITAMIN B12-RESPONSIVE HOMOCYSTINURIA, cblE TYPE; HOMOCYSTINURIA-MEGALOBLASTIC ANEMIA, cblE COMPLEMENTATION TYPE. Identifiers: Orphanet 2169, Orphanet 622, MedGen C1856057, MONDO:0009354, OMIM 236270.
Neural tube defects, folate-sensitive (NTDFS). Also called: NTD, FOLATE-SENSITIVE. Identifiers: Orphanet 823, MedGen C1866558, MONDO:0011120, OMIM 601634.

Allele frequency attached by ClinVar (database versions not stated): ExAC 0.00002; gnomAD 0.00002; gnomAD exomes 0.00002; TOPMed 0.00002; ESP Exome Variant Server 0.00015.
gnomAD v4.1: 44 of 1,614,068 alleles (0.0027%); highest among the groups gnomAD compares: Non-Finnish European, 0.0037%; no homozygotes.

Submissions (4):

Fulgent Genetics
Classification: Pathogenic for Methylcobalamin deficiency type cblE; Neural tube defects, folate-sensitive. Last evaluated: 2024-05-24. Review status: criteria provided, single submitter. Criteria: ACMG Guidelines, 2015. Collection method: clinical testing. Allele origin: germline.

Labcorp Genetics (formerly Invitae), Labcorp
Classification: Pathogenic for Methylcobalamin deficiency type cblE. Last evaluated: 2024-03-13. Review status: criteria provided, single submitter. Criteria: Invitae Variant Classification Sherloc (09022015). Collection method: clinical testing. Allele origin: germline.
Comment: This sequence change creates a premature translational stop signal (p.Glu256*) in the MTRR gene. It is expected to result in an absent or disrupted protein product. Loss-of-function variants in MTRR are known to be pathogenic (PMID: 15714522). This variant is present in population databases (rs375908206, gnomAD 0.004%). This premature translational stop signal has been observed in individual(s) with cobalamin E deficiency (PMID: 25526710). ClinVar contains an entry for this variant (Variation ID: 841408). For these reasons, this variant has been classified as Pathogenic.

Baylor Genetics
Classification: Pathogenic for Neural tube defects, folate-sensitive. Last evaluated: 2024-03-06. Review status: criteria provided, single submitter. Criteria: ACMG Guidelines, 2015. Collection method: clinical testing. Allele origin: unknown.

GeneDx
Classification: Pathogenic. Last evaluated: 2023-05-17. Review status: criteria provided, single submitter. Criteria: GeneDx Variant Classification Process June 2021. Collection method: clinical testing. Allele origin: germline. Affected: yes.
Comment: Not observed at significant frequency in large population cohorts (gnomAD); Nonsense variant predicted to result in protein truncation or nonsense mediated decay in a gene for which loss of function is a known mechanism of disease; This variant is associated with the following publications: (PMID: 25526710)

Literature cited by the submitters: PubMed 15714522 (cited by Labcorp Genetics (formerly Invitae), Labcorp); PubMed 25526710 (cited by Labcorp Genetics (formerly Invitae), Labcorp).